The following is an entry in ClinVar:

NM_006946.4(SPTBN2):c.5102G>A (p.Arg1701His)

Gene: SPTBN2 (spectrin beta, non-erythrocytic 2; minus strand). Cytogenetic location: 11q13.2.
Variant type: single nucleotide variant.
Coding change: c.5102G>A on transcript NM_006946.4 (MANE Select); coding-DNA position 5102, G replaced by A.
Protein change: p.Arg1701His; replaces arginine 1701 with histidine.
Molecular consequence: missense variant.
Genome position (GRCh38, 1-based): chr11:66,692,624, C>T on the plus strand (G>A on the coding strand, the complement: SPTBN2 is on the minus strand). VCF-style: chr11-66692624-C-T. GRCh37 (hg19) VCF-style: chr11-66460095-C-T.
Other names: short protein forms R1701H.
Identifiers: ClinVar variation 1304592 (VCV001304592.3), dbSNP rs907900432, ClinGen allele CA224079153.

ClinVar aggregate classification (germline): Uncertain significance. Review status: criteria provided, multiple submitters, no conflicts (2 of 4 stars). 2 submissions from 2 submitters: Uncertain significance (2). Last evaluated 2021-09-22.

Allele frequency attached by ClinVar (database versions not stated): gnomAD exomes 0.00001; TOPMed 0.00001.

Submissions (2):

Athena Diagnostics
Classification: Uncertain significance. Last evaluated: 2021-09-22. Review status: criteria provided, single submitter. Criteria: Athena Diagnostics Criteria. Collection method: clinical testing. Allele origin: unknown.

GeneDx
Classification: Uncertain significance. Last evaluated: 2019-05-24. Review status: criteria provided, single submitter. Criteria: GeneDx Variant Classification Process June 2021. Collection method: clinical testing. Allele origin: germline. Affected: yes.
Comment: In silico analysis, which includes protein predictors and evolutionary conservation, supports a deleterious effect; Has not been previously published as pathogenic or benign to our knowledge